The following is an entry in ClinVar:

NM_000431.4(MVK):c.350T>C (p.Leu117Pro)

Gene: MVK (mevalonate kinase; plus strand). Cytogenetic location: 12q24.11.
Variant type: single nucleotide variant.
Coding change: c.350T>C on transcript NM_000431.4 (MANE Select); coding-DNA position 350, T replaced by C.
Protein change: p.Leu117Pro; replaces leucine 117 with proline.
Molecular consequence: missense variant.
Genome position (GRCh38, 1-based): chr12:109,579,925, T>C. VCF-style: chr12-109579925-T-C. GRCh37 (hg19) VCF-style: chr12-110017730-T-C.
Other names: c.350T>C, p.Leu117Pro (NM_001114185.3, NM_001301182.2, NM_001414511.1 and 3 more transcripts); c.-233T>C (NM_001414515.1); short protein forms L117P.
Identifiers: ClinVar variation 2137419 (VCV002137419.1), dbSNP rs768578638, ClinGen allele CA386645686.

ClinVar aggregate classification (germline): Uncertain significance (1 of 4 stars; one submission).

Conditions:
Hyperimmunoglobulin D with periodic fever (HIDS). Also called: Hyperimmunoglobulinemia D with periodic fever; HYPERIMMUNOGLOBULINEMIA D AND PERIODIC FEVER SYNDROME; Hyperimmunoglobulinemia D. Identifiers: Orphanet 343, MedGen C0398691, MONDO:0009849, OMIM 260920.
Porokeratosis 3, disseminated superficial actinic type (POROK3). Also called: POROKERATOSIS, DISSEMINATED SUPERFICIAL ACTINIC, 1; POROKERATOSIS 3, MULTIPLE TYPES; POROKERATOSIS 3, MIBELLI TYPE. Identifiers: MedGen C1867981, MONDO:0008293, OMIM 175900.
Mevalonic aciduria (MEVA). Identifiers: Orphanet 29, MedGen C1959626, MONDO:0012481, OMIM 610377.

Submission:

Labcorp Genetics (formerly Invitae), Labcorp
Classification: Uncertain significance for Mevalonic aciduria; Hyperimmunoglobulin D with periodic fever; Porokeratosis 3, disseminated superficial actinic type. Last evaluated: 2022-05-29. Review status: criteria provided, single submitter. Criteria: Invitae Variant Classification Sherloc (09022015). Collection method: clinical testing. Allele origin: germline.
Comment: This sequence change replaces leucine, which is neutral and non-polar, with proline, which is neutral and non-polar, at codon 117 of the MVK protein (p.Leu117Pro). This variant is not present in population databases (gnomAD no frequency). This missense change has been observed in individual(s) with mevalonate kinase deficiency (PMID: 21708801). Advanced modeling of protein sequence and biophysical properties (such as structural, functional, and spatial information, amino acid conservation, physicochemical variation, residue mobility, and thermodynamic stability) performed at Invitae indicates that this missense variant is expected to disrupt MVK protein function. In summary, the available evidence is currently insufficient to determine the role of this variant in disease. Therefore, it has been classified as a Variant of Uncertain Significance.

Literature cited by the submitters: PubMed 21708801.